The following is an entry in ClinVar:

ClinVar aggregate classification (germline): Uncertain significance (1 of 4 stars; one submission).

Conditions:
Ataxia-telangiectasia syndrome (AT). Also called: Cerebello-oculocutaneous telangiectasia; Immunodeficiency with ataxia telangiectasia; LOUIS-BAR SYNDROME; ATAXIA-TELANGIECTASIA, COMPLEMENTATION GROUP A; ATAXIA-TELANGIECTASIA, FRESNO VARIANT; Ataxia-telangiectasia, complementation group D. Identifiers: Orphanet 100, MedGen C0004135, MONDO:0008840, OMIM 208900.

Submission:

Labcorp Genetics (formerly Invitae), Labcorp
Classification: Uncertain significance for Ataxia-telangiectasia syndrome. Last evaluated: 2021-09-24. Review status: criteria provided, single submitter. Criteria: Invitae Variant Classification Sherloc (09022015). Collection method: clinical testing. Allele origin: germline.
Comment: This sequence change replaces serine with cysteine at codon 369 of the ATM protein (p.Ser369Cys). The serine residue is moderately conserved and there is a moderate physicochemical difference between serine and cysteine. This variant is not present in population databases (ExAC no frequency). This variant has not been reported in the literature in individuals affected with ATM-related conditions. Advanced modeling of protein sequence and biophysical properties (such as structural, functional, and spatial information, amino acid conservation, physicochemical variation, residue mobility, and thermodynamic stability) performed at Invitae indicates that this missense variant is not expected to disrupt ATM protein function. In summary, the available evidence is currently insufficient to determine the role of this variant in disease. Therefore, it has been classified as a Variant of Uncertain Significance.

NM_000051.4(ATM):c.1106C>G (p.Ser369Cys)

Gene: ATM (ATM serine/threonine kinase; plus strand). Cytogenetic location: 11q22.3.
Variant type: single nucleotide variant.
Coding change: c.1106C>G on transcript NM_000051.4 (MANE Select); coding-DNA position 1106, C replaced by G.
Protein change: p.Ser369Cys; replaces serine 369 with cysteine.
Molecular consequence: missense variant.
Genome position (GRCh38, 1-based): chr11:108,248,973, C>G. VCF-style: chr11-108248973-C-G. GRCh37 (hg19) VCF-style: chr11-108119700-C-G.
Other names: c.1106C>G, p.Ser369Cys (NM_001351834.2); short protein forms S369C.
Identifiers: ClinVar variation 1382971 (VCV001382971.6), dbSNP rs762557654, ClinGen allele CA382532397.